The following is an entry in ClinVar:

ClinVar aggregate classification (germline): Uncertain significance (1 of 4 stars; one submission).

Allele frequency attached by ClinVar (database versions not stated): gnomAD 0.00001; TOPMed 0.00001.
gnomAD v4.1: 1 of 1,551,524 alleles (0.000064%); highest among the groups gnomAD compares: African/African-American, 0.0014%; no homozygotes.

Submission:

Labcorp Genetics (formerly Invitae), Labcorp
Classification: Uncertain significance. Last evaluated: 2022-05-21. Review status: criteria provided, single submitter. Criteria: Invitae Variant Classification Sherloc (09022015). Collection method: clinical testing. Allele origin: germline.
Comment: In summary, the available evidence is currently insufficient to determine the role of this variant in disease. Therefore, it has been classified as a Variant of Uncertain Significance. Algorithms developed to predict the effect of missense changes on protein structure and function are either unavailable or do not agree on the potential impact of this missense change (SIFT: "Deleterious"; PolyPhen-2: "Benign"; Align-GVGD: "Class C0"). This variant has not been reported in the literature in individuals affected with ZSWIM6-related conditions. This variant is not present in population databases (gnomAD no frequency). This sequence change replaces tryptophan, which is neutral and slightly polar, with arginine, which is basic and polar, at codon 559 of the ZSWIM6 protein (p.Trp559Arg).

NM_020928.2(ZSWIM6):c.1675T>C (p.Trp559Arg)

Gene: ZSWIM6 (zinc finger SWIM-type containing 6; plus strand). Cytogenetic location: 5q12.1.
Variant type: single nucleotide variant.
Coding change: c.1675T>C on transcript NM_020928.2 (MANE Select); coding-DNA position 1675, T replaced by C.
Protein change: p.Trp559Arg; replaces tryptophan 559 with arginine.
Molecular consequence: missense variant.
Genome position (GRCh38, 1-based): chr5:61,525,961, T>C. VCF-style: chr5-61525961-T-C. GRCh37 (hg19) VCF-style: chr5-60821788-T-C.
Other names: short protein forms W559R.
Identifiers: ClinVar variation 2049853 (VCV002049853.4), dbSNP rs947147763, ClinGen allele CA119662498.